The following is an entry in ClinVar:

ClinVar aggregate classification (germline): Likely benign (1 of 4 stars; one submission).

gnomAD v4.1: 88 of 1,576,782 alleles (0.0056%); highest among the groups gnomAD compares: Middle Eastern, 0.017%; no homozygotes.

Submission:

CeGaT Center for Human Genetics Tuebingen
Classification: Likely benign. Last evaluated: 2026-06-01. Review status: criteria provided, single submitter. Criteria: CeGaT Center For Human Genetics Tuebingen Variant Classification Criteria Version 2. Collection method: clinical testing. Allele origin: germline. Affected: yes. Observed: 1 variant allele.
Comment: MAPK8IP3: BP4, BP7

NM_001318852.2(MAPK8IP3):c.2010C>G (p.Pro670=)

Gene: MAPK8IP3 (mitogen-activated protein kinase 8 interacting protein 3; plus strand). Cytogenetic location: 16p13.3.
Variant type: single nucleotide variant.
Coding change: c.2010C>G on transcript NM_001318852.2 (MANE Select); coding-DNA position 2010, C replaced by G.
Protein change: p.Pro670=; no amino-acid change (proline 670 retained).
Molecular consequence: synonymous variant.
Genome position (GRCh38, 1-based): chr16:1,763,768, C>G. VCF-style: chr16-1763768-C-G. GRCh37 (hg19) VCF-style: chr16-1813769-C-G.
Other names: c.1989C>G, p.Pro663= (NM_001040439.2); c.2007C>G, p.Pro669= (NM_015133.5).
Identifiers: ClinVar variation 4872653 (VCV004872653.2).